The following is an entry in ClinVar:

NM_004629.2(FANCG):c.981dup (p.Leu328fs)

Gene: FANCG (FA complementation group G; minus strand). Cytogenetic location: 9p13.3.
Variant type: Duplication.
Coding change: c.981dup on transcript NM_004629.2 (MANE Select); coding-DNA position 981, one base duplicated (A; older notation c.981dupA).
Protein change: p.Leu328fs; shifts the reading frame from leucine 328.
Molecular consequence: frameshift variant.
Genome position (GRCh38, 1-based): chr9:35,076,527, T duplicated on the plus strand (A on the coding strand, the reverse complement: FANCG is on the minus strand). VCF-style (leftmost placement, unchanged base first): chr9-35076526-G-GT. GRCh37 (hg19) VCF-style: chr9-35076523-G-GT.
Other names: short protein forms L328fs.
Identifiers: ClinVar variation 1403140 (VCV001403140.8), dbSNP rs2131055463, ClinGen allele CA2573144529.

ClinVar aggregate classification (germline): Pathogenic/Likely pathogenic. Review status: criteria provided, multiple submitters, no conflicts (2 of 4 stars). 3 submissions from 3 submitters: Pathogenic (2); Likely pathogenic (1). Last evaluated 2023-12-17.

Conditions:
Fanconi anemia complementation group G. Also called: FANCG-Related Fanconi Anemia; Fanconi anemia group G. Identifiers: Orphanet 84, MedGen C3469527, MONDO:0013565, OMIM 614082.
Fanconi anemia (FA). Also called: Fanconi's anemia. Identifiers: Orphanet 84, MedGen C0015625, MeSH D005199, MONDO:0019391.

Submissions (3):

Baylor Genetics
Classification: Likely pathogenic for Fanconi anemia complementation group G. Last evaluated: 2023-12-17. Review status: criteria provided, single submitter. Criteria: ACMG Guidelines, 2015. Collection method: clinical testing. Allele origin: unknown.

Department of Pathology and Laboratory Medicine, Sinai Health System
Classification: Pathogenic for Fanconi anemia complementation group G. Last evaluated: 2023-01-10. Review status: criteria provided, single submitter. Criteria: ACMG Guidelines, 2015. Collection method: research. Allele origin: germline.

Labcorp Genetics (formerly Invitae), Labcorp
Classification: Pathogenic for Fanconi anemia. Last evaluated: 2022-04-08. Review status: criteria provided, single submitter. Criteria: Invitae Variant Classification Sherloc (09022015). Collection method: clinical testing. Allele origin: germline.
Comment: For these reasons, this variant has been classified as Pathogenic. This variant has not been reported in the literature in individuals affected with FANCG-related conditions. This variant is not present in population databases (gnomAD no frequency). This sequence change creates a premature translational stop signal (p.Leu328Thrfs*6) in the FANCG gene. It is expected to result in an absent or disrupted protein product. Loss-of-function variants in FANCG are known to be pathogenic (PMID: 12552564).

Literature cited by the submitters: PubMed 12552564 (cited by Labcorp Genetics (formerly Invitae), Labcorp).